The following is an entry in ClinVar:

NM_001145809.2(MYH14):c.359C>T (p.Ser120Leu)

Gene: MYH14 (myosin heavy chain 14; plus strand). Cytogenetic location: 19q13.33.
Variant type: single nucleotide variant.
Coding change: c.359C>T on transcript NM_001145809.2 (MANE Select); coding-DNA position 359, C replaced by T.
Protein change: p.Ser120Leu; replaces serine 120 with leucine.
Molecular consequence: missense variant.
Genome position (GRCh38, 1-based): chr19:50,210,724, C>T. VCF-style: chr19-50210724-C-T. GRCh37 (hg19) VCF-style: chr19-50713981-C-T.
Other names: c.359C>T (NM_001145809.1); c.359C>T, p.Ser120Leu (NM_001077186.2, NM_024729.4); short protein forms S120L.
Identifiers: ClinVar variation 2200 (VCV000002200.44), dbSNP rs119103281, ClinGen allele CA252137.

ClinVar aggregate classification (germline): Conflicting classifications of pathogenicity. Review status: criteria provided, conflicting classifications (1 of 4 stars). 5 submissions from 5 submitters: Pathogenic (3); Uncertain significance (1). 1 of the submissions does not count toward it. Last evaluated 2025-03-07.

Conditions:
MYH14-related disorder. Also called: MYH14-related condition.
Autosomal dominant nonsyndromic hearing loss 4A. Also called: Deafness, autosomal dominant 4A. Identifiers: Orphanet 90635, MedGen C1833503, MONDO:0010915, OMIM 600652.

Allele frequency attached by ClinVar (database versions not stated): gnomAD exomes below 0.00001.
gnomAD v4.1: 2 of 1,579,166 alleles (0.00013%); highest among the groups gnomAD compares: Non-Finnish European, 0.00017%; no homozygotes.

Submissions (5):

Labcorp Genetics (formerly Invitae), Labcorp
Classification: Pathogenic. Last evaluated: 2025-03-07. Review status: criteria provided, single submitter. Criteria: Invitae Variant Classification Sherloc (09022015). Collection method: clinical testing. Allele origin: germline.
Comment: This sequence change replaces serine, which is neutral and polar, with leucine, which is neutral and non-polar, at codon 120 of the MYH14 protein (p.Ser120Leu). This variant is not present in population databases (gnomAD no frequency). This missense change has been observed in individual(s) with deafness (PMID: 16222661, 20533261). It has also been observed to segregate with disease in related individuals. ClinVar contains an entry for this variant (Variation ID: 2200). Invitae Evidence Modeling of protein sequence and biophysical properties (such as structural, functional, and spatial information, amino acid conservation, physicochemical variation, residue mobility, and thermodynamic stability) indicates that this missense variant is expected to disrupt MYH14 protein function with a positive predictive value of 80%. For these reasons, this variant has been classified as Pathogenic.

PreventionGenetics, part of Exact Sciences
Classification: Uncertain significance for MYH14-related condition. Last evaluated: 2024-10-23. Review status: criteria provided, single submitter. Criteria: ACMG Guidelines, 2015. Collection method: clinical testing. Allele origin: germline.
Comment: The MYH14 c.359C>T variant is predicted to result in the amino acid substitution p.Ser120Leu. This variant was reported to segregate with hearing loss in 10 affected and 14 unaffected individuals across 4 generations in a single family, although information on which individuals were tested for the variant was not provided (Yang et al. 2005. PubMed ID: 16222661). This variant was also reported in the heterozygous state in a single unrelated patient with hearing loss (Vallian Broojeni et al. 2023. PubMed ID: 37561809). This variant has not been reported in a large population database (gnomAD), indicating this variant is rare. Although we suspect that this variant may be pathogenic, at this time, the clinical significance of this variant is uncertain due to the absence of conclusive functional and genetic evidence.

CeGaT Center for Human Genetics Tuebingen
Classification: Pathogenic. Last evaluated: 2020-12-01. Review status: criteria provided, single submitter. Criteria: CeGaT Center For Human Genetics Tuebingen Variant Classification Criteria Version 2. Collection method: clinical testing. Allele origin: germline. Affected: yes. Observed: 1 variant allele.

GeneDx
Classification: Pathogenic. Last evaluated: 2017-03-27. Review status: criteria provided, single submitter. Criteria: GeneDx Variant Classification (06012015). Collection method: clinical testing. Allele origin: germline. Affected: yes.
Comment: The S120L variant in the MYH14 gene has been reported to segregate with hearing loss in all affected members of a large German kindred (Yang et al., 2005). The S120L variant is not observed in large population cohorts (Lek et al., 2016; 1000 Genomes Consortium et al., 2015; Exome Variant Server). The S120L variant is a non-conservative amino acid substitution, which is likely to impact secondary protein structure as these residues differ in polarity, charge, size and/or other properties. This substitution occurs at a position that is conserved across species. In silico analysis predicts this variant is probably damaging to the protein structure/function. We interpret S120L as a pathogenic variant.

OMIM
Classification: Pathogenic for DEAFNESS, AUTOSOMAL DOMINANT 4A. Last evaluated: 2005-11-15. Review status: no assertion criteria provided. Collection method: literature only. Allele origin: germline. Not counted in ClinVar's aggregate classification.

Literature cited by the submitters: PubMed 16222661 (cited by Labcorp Genetics (formerly Invitae), Labcorp and OMIM); PubMed 20533261 (cited by Labcorp Genetics (formerly Invitae), Labcorp).